The following is an entry in ClinVar:

ClinVar aggregate classification (germline): Uncertain significance. Review status: criteria provided, multiple submitters, no conflicts (2 of 4 stars). 2 submissions from 2 submitters: Uncertain significance (2). Last evaluated 2025-08-29.

Conditions:
Norman-Roberts syndrome (LIS2). Also called: Lissencephaly 2 (Norman-Roberts type). Identifiers: Orphanet 89844, MedGen C0796089, MONDO:0009760, OMIM 257320.
Familial temporal lobe epilepsy 7. Identifiers: Orphanet 101046, MedGen C4225327, MONDO:0014639, OMIM 616436.

Allele frequency attached by ClinVar (database versions not stated): ExAC 0.00002; gnomAD 0.00002; TOPMed 0.00002.

Submissions (2):

Labcorp Genetics (formerly Invitae), Labcorp
Classification: Uncertain significance for Familial temporal lobe epilepsy 7; Norman-Roberts syndrome. Last evaluated: 2025-08-29. Review status: criteria provided, single submitter. Criteria: Invitae Variant Classification Sherloc (09022015). Collection method: clinical testing. Allele origin: germline.
Comment: This sequence change replaces alanine, which is neutral and non-polar, with threonine, which is neutral and polar, at codon 3276 of the RELN protein (p.Ala3276Thr). This variant is present in population databases (rs781713047, gnomAD 0.005%). This variant has not been reported in the literature in individuals affected with RELN-related conditions. ClinVar contains an entry for this variant (Variation ID: 912256). Invitae Evidence Modeling of protein sequence and biophysical properties (such as structural, functional, and spatial information, amino acid conservation, physicochemical variation, residue mobility, and thermodynamic stability) indicates that this missense variant is not expected to disrupt RELN protein function with a negative predictive value of 80%. In summary, the available evidence is currently insufficient to determine the role of this variant in disease. Therefore, it has been classified as a Variant of Uncertain Significance.

Illumina Laboratory Services, Illumina
Classification: Uncertain significance for Norman-Roberts syndrome. Last evaluated: 2018-01-12. Review status: criteria provided, single submitter. Criteria: ICSL Variant Classification Criteria 13 December 2019. Collection method: clinical testing. Allele origin: germline.

NM_005045.4(RELN):c.9826G>A (p.Ala3276Thr)

Genes: SLC26A5-AS1 (SLC26A5 antisense RNA 1; plus strand), RELN (reelin; minus strand). Cytogenetic location: 7q22.1.
Variant type: single nucleotide variant.
Coding change: c.9826G>A on transcript NM_005045.4 (MANE Select); coding-DNA position 9826, G replaced by A.
Protein change: p.Ala3276Thr; replaces alanine 3276 with threonine.
Molecular consequence: missense variant.
Genome position (GRCh38, 1-based): chr7:103,486,354, C>T on the plus strand (G>A on the coding strand, the complement: RELN is on the minus strand). VCF-style: chr7-103486354-C-T. GRCh37 (hg19) VCF-style: chr7-103126801-C-T.
Other names: c.9826G>A, p.Ala3276Thr (NM_173054.3); short protein forms A3276T.
Identifiers: ClinVar variation 912256 (VCV000912256.13), dbSNP rs781713047, ClinGen allele CA4420113.